The following is an entry in ClinVar:

NM_000057.4(BLM):c.2362C>T (p.Leu788Phe)

Gene: BLM (BLM RecQ like helicase; plus strand). Cytogenetic location: 15q26.1.
Variant type: single nucleotide variant.
Coding change: c.2362C>T on transcript NM_000057.4 (MANE Select); coding-DNA position 2362, C replaced by T.
Protein change: p.Leu788Phe; replaces leucine 788 with phenylalanine.
Molecular consequence: missense variant.
Genome position (GRCh38, 1-based): chr15:90,769,187, C>T. VCF-style: chr15-90769187-C-T. GRCh37 (hg19) VCF-style: chr15-91312417-C-T.
Other names: c.2362C>T (NM_000057.2); c.2362C>T, p.Leu788Phe (NM_001287246.2, NM_001287247.2); c.1237C>T, p.Leu413Phe (NM_001287248.2); short protein forms L413F, L788F.
Identifiers: ClinVar variation 862151 (VCV000862151.11), dbSNP rs149754073, ClinGen allele CA7738739.

ClinVar aggregate classification (germline): Uncertain significance. Review status: criteria provided, multiple submitters, no conflicts (2 of 4 stars). 3 submissions from 3 submitters: Uncertain significance (2). 1 of the submissions does not count toward it. Last evaluated 2025-11-04.

Conditions:
Bloom syndrome (BLM). Also called: Bloom-Torre-Machacek syndrome. Identifiers: Orphanet 125, MedGen C0005859, MONDO:0008876, OMIM 210900.
Hereditary cancer-predisposing syndrome. Also called: Tumor predisposition; Hereditary neoplastic syndrome; Neoplastic Syndromes, Hereditary; Hereditary Cancer Syndrome. Identifiers: Orphanet 140162, MedGen C0027672, MeSH D009386, MONDO:0015356.

Allele frequency attached by ClinVar (database versions not stated): ESP Exome Variant Server 0.00015.
gnomAD v4.1: 4 of 1,613,840 alleles (0.00025%); highest among the groups gnomAD compares: African/African-American, 0.0053%; no homozygotes.

Submissions (3):

Labcorp Genetics (formerly Invitae), Labcorp
Classification: Uncertain significance for Bloom syndrome. Last evaluated: 2025-11-04. Review status: criteria provided, single submitter. Criteria: Invitae Variant Classification Sherloc (09022015). Collection method: clinical testing. Allele origin: germline.
Comment: This sequence change replaces leucine, which is neutral and non-polar, with phenylalanine, which is neutral and non-polar, at codon 788 of the BLM protein (p.Leu788Phe). This variant is present in population databases (rs149754073, gnomAD 0.02%). This variant has not been reported in the literature in individuals affected with BLM-related conditions. ClinVar contains an entry for this variant (Variation ID: 862151). Invitae Evidence Modeling of protein sequence and biophysical properties (such as structural, functional, and spatial information, amino acid conservation, physicochemical variation, residue mobility, and thermodynamic stability) has been performed for this missense variant. However, the output from this modeling did not meet the statistical confidence thresholds required to predict the impact of this variant on BLM protein function. In summary, the available evidence is currently insufficient to determine the role of this variant in disease. Therefore, it has been classified as a Variant of Uncertain Significance.

Ambry Genetics
Classification: Uncertain significance for Hereditary cancer-predisposing syndrome. Last evaluated: 2025-05-25. Review status: criteria provided, single submitter. Criteria: Ambry Variant Classification Scheme 2023. Collection method: clinical testing. Allele origin: germline.
Comment: The p.L788F variant (also known as c.2362C>T), located in coding exon 10 of the BLM gene, results from a C to T substitution at nucleotide position 2362. The leucine at codon 788 is replaced by phenylalanine, an amino acid with highly similar properties. This amino acid position is highly conserved in available vertebrate species. In addition, the in silico prediction for this alteration is inconclusive. Since supporting evidence is limited at this time, the clinical significance of this alteration remains unclear.

Natera, Inc.
Classification: Uncertain significance for Bloom syndrome. Last evaluated: 2020-09-16. Review status: no assertion criteria provided. Collection method: clinical testing. Allele origin: germline. Not counted in ClinVar's aggregate classification.